The following is an entry in ClinVar:

ClinVar aggregate classification (germline): Uncertain significance. Review status: criteria provided, multiple submitters, no conflicts (2 of 4 stars). 2 submissions from 2 submitters: Uncertain significance (2). Last evaluated 2026-08-11.

Conditions:
Hereditary cancer-predisposing syndrome. Also called: Tumor predisposition; Hereditary neoplastic syndrome; Neoplastic Syndromes, Hereditary; Hereditary Cancer Syndrome. Identifiers: Orphanet 140162, MedGen C0027672, MeSH D009386, MONDO:0015356.
Neuroblastoma, susceptibility to, 3. Also called: ALK-Related Neuroblastic Tumor Susceptibility. Identifiers: Orphanet 635, MedGen C2751681, MONDO:0013083, OMIM 613014.

gnomAD v4.1: 11 of 1,614,192 alleles (0.00068%); highest among the groups gnomAD compares: East Asian, 0.025%; no homozygotes.

Submissions (2):

Ambry Genetics
Classification: Uncertain significance for Hereditary cancer-predisposing syndrome. Last evaluated: 2026-08-11. Review status: criteria provided, single submitter. Criteria: Ambry Variant Classification Scheme 2023. Collection method: clinical testing. Allele origin: germline.
Comment: The p.T573I variant (also known as c.1718C>T), located in coding exon 9 of the ALK gene, results from a C to T substitution at nucleotide position 1718. The threonine at codon 573 is replaced by isoleucine, an amino acid with similar properties. This amino acid position is highly conserved in available vertebrate species. In addition, the in silico prediction for this alteration is inconclusive. Based on the available evidence, the clinical significance of this variant remains unclear.

Labcorp Genetics (formerly Invitae), Labcorp
Classification: Uncertain significance for Neuroblastoma, susceptibility to, 3. Last evaluated: 2026-01-28. Review status: criteria provided, single submitter. Criteria: Invitae Variant Classification Sherloc (09022015). Collection method: clinical testing. Allele origin: germline.
Comment: This sequence change replaces threonine, which is neutral and polar, with isoleucine, which is neutral and non-polar, at codon 573 of the ALK protein (p.Thr573Ile). This variant is not present in population databases (gnomAD no frequency). This variant has not been reported in the literature in individuals affected with ALK-related conditions. ClinVar contains an entry for this variant (Variation ID: 835244). An algorithm developed to predict the effect of missense changes on protein structure and function (PolyPhen-2) suggests that this variant is likely to be disruptive. In summary, the available evidence is currently insufficient to determine the role of this variant in disease. Therefore, it has been classified as a Variant of Uncertain Significance.

NM_004304.5(ALK):c.1718C>T (p.Thr573Ile)

Gene: ALK (ALK receptor tyrosine kinase; minus strand). Cytogenetic location: 2p23.2.
Variant type: single nucleotide variant.
Coding change: c.1718C>T on transcript NM_004304.5 (MANE Select); coding-DNA position 1718, C replaced by T.
Protein change: p.Thr573Ile; replaces threonine 573 with isoleucine.
Molecular consequence: missense variant.
Genome position (GRCh38, 1-based): chr2:29,296,987, G>A on the plus strand (C>T on the coding strand, the complement: ALK is on the minus strand). VCF-style: chr2-29296987-G-A. GRCh37 (hg19) VCF-style: chr2-29519853-G-A.
Other names: short protein forms T573I.
Identifiers: ClinVar variation 835244 (VCV000835244.10), dbSNP rs1666205088, ClinGen allele CA346466360.